The following is an entry in ClinVar:

ClinVar aggregate classification (germline): Uncertain significance (1 of 4 stars; one submission).

Conditions:
Perlman syndrome (PRLMNS). Identifiers: Orphanet 2849, MedGen C0796113, MONDO:0009965, OMIM 267000.

gnomAD v4.1: 1 of 1,566,358 alleles (0.000064%); highest among the groups gnomAD compares: South Asian, 0.0012%; no homozygotes.

Submission:

Neuberg Centre For Genomic Medicine, NCGM
Classification: Uncertain significance for Perlman syndrome. Review status: criteria provided, single submitter. Criteria: ACMG Guidelines, 2015. Collection method: clinical testing. Allele origin: germline. Inheritance: Autosomal recessive inheritance. Affected: yes.
Comment: The missense variant in c.1780G>A (p.Val594Ile) in DIS3L2 gene has not been reported previously as a pathogenic variant nor as a benign variant, to our knowledge. The p.Val594Ile variant is novel (not in any individuals) in gnomAD Exomes and 1000 Genomes. The amino acid Val at position 594 is changed to a Ile changing protein sequence and it might alter its composition and physico-chemical properties. The amino acid change p.Val594Ile in DIS3L2 is predicted as conserved by GERP++ and PhyloP across 100 vertebrates. For these reasons, this variant has been classified as Uncertain Significance (VUS).

NM_001257281.2(DIS3L2):c.1780G>A (p.Val594Ile)

Gene: DIS3L2 (DIS3 like 3'-5' exoribonuclease 2; plus strand). Cytogenetic location: 2q37.1.
Variant type: single nucleotide variant.
Coding change: c.1780G>A on transcript NM_001257281.2; coding-DNA position 1780, G replaced by A.
Protein change: p.Val594Ile; replaces valine 594 with isoleucine.
Molecular consequence: missense variant.
Genome position (GRCh38, 1-based): chr2:232,343,543, G>A. VCF-style: chr2-232343543-G-A. GRCh37 (hg19) VCF-style: chr2-233208253-G-A.
Other names: short protein forms V594I.
Identifiers: ClinVar variation 2585411 (VCV002585411.1), dbSNP rs1048505602, ClinGen allele CA350979722.